The following is an entry in ClinVar:

NM_000215.4(JAK3):c.1207C>T (p.Arg403Cys)

Gene: JAK3 (Janus kinase 3; minus strand). Cytogenetic location: 19p13.11.
Variant type: single nucleotide variant.
Coding change: c.1207C>T on transcript NM_000215.4 (MANE Select); coding-DNA position 1207, C replaced by T.
Protein change: p.Arg403Cys; replaces arginine 403 with cysteine.
Molecular consequence: missense variant.
Genome position (GRCh38, 1-based): chr19:17,840,277, G>A on the plus strand (C>T on the coding strand, the complement: JAK3 is on the minus strand). VCF-style: chr19-17840277-G-A. GRCh37 (hg19) VCF-style: chr19-17951086-G-A.
Other names: NM_000215.4(JAK3):c.1207C>T; p.Arg403Cys; short protein forms R403C.
Identifiers: ClinVar variation 2138258 (VCV002138258.9), dbSNP rs1257606008, ClinGen allele CA404770618.
Genomic context (GRCh38, chr19:17,840,277, plus strand): 5'-GCAGTAGACCGACCTGGACACAGACAGTGAGGAGGAAGCTGTCAAAGTCCTGGGGGCTGC[G>A]GCGGAGAACATAGGAGCCAGGACGTGAGCCCCCAGTCTTGAGCTTGTTGATGGCAAAGTC-3'
Protein context (NP_000206.2, residues 393-413): GSRPGSYVLR[Arg403Cys]SPQDFDSFLL

ClinVar aggregate classification (germline): Likely pathogenic. Review status: reviewed by expert panel (3 of 4 stars). 4 submissions from 4 submitters: Likely pathogenic (1). 3 of the submissions do not count toward it. Last evaluated 2026-09-28.

Conditions:
T-B+ severe combined immunodeficiency due to JAK3 deficiency. Also called: SCID, autosomal recessive, T-negative/B-positive type; SCID, T CELL-NEGATIVE, B CELL-POSITIVE, NK CELL-NEGATIVE. Identifiers: Orphanet 35078, MedGen C1833275, MONDO:0010938, OMIM 600802.
Severe combined immunodeficiency disease. Also called: Severe Combined Immune Deficiency; Severe combined immunodeficiency. Identifiers: Orphanet 183660, MedGen C0085110, MeSH D016511, MONDO:0015974, HP:0004430. Inheritance: X-Linked or Autosomal recessive.

Allele frequency attached by ClinVar (database versions not stated): gnomAD exomes below 0.00001.

Submissions (4):

ClinGen Severe Combined Immunodeficiency Variant Curation Expert Panel, ClinGen
Classification: Likely pathogenic for T-B+ severe combined immunodeficiency due to JAK3 deficiency. Last evaluated: 2026-09-28. Review status: reviewed by expert panel. Criteria: ClinGen SCID ACMG Specifications JAK3 V2.3. Collection method: curation. Allele origin: germline. Inheritance: Autosomal recessive inheritance.
Comment: NM_000215.4(JAK3):c.1207C>T is a missense variant predicted to cause substitution of Arginine by Cystine at amino acid 403 (p.Arg403Cys). The filtering allele frequency (the upper threshold of the 95% CI of 4/1461762) of the c.1352G>A variant in JAK3 is 2.999999999999999e-7 for Non-Finnish European chromosomes by gnomAD v4, which is lower than the ClinGen SCID VCEP threshold (<0.000115) for PM2_Supporting, and therefore meets this criterion (PM2_Supporting). This variant has been reported in three affected individuals with SCID in the homozygous state (PMID: 26915675, 33040328, Invitae), two of whom were from consanguineous families (PM3 pts: 0.5+0.5+1 = 2). One affected individual was diagnosed by WES, with this JAK3 variant as the only reported candidate variant, and presented with a T−B+NK− lymphocyte subset profile (PMID: 33040328) (PP4 pts: 1+0.5=1.5). A different likely pathogenic missense variant affecting the same amino acid residue, c.1208G>A p.(Arg403His), has been observed in affected individuals with SCID (PMID: 31031743, ClinVar Variation ID: 803543). In summary, this variant meets the criteria to be classified as a variant of uncertain significance for autosomal recessive severe combined immunodeficiency due to JAK3 deficiency based on the ACMG/AMP criteria applied, as specified by the ClinGen SCID VCEP: PM3_Strong, PP4, PM5_Supporting, PM2_Supporting (VCEP specifications version 2.3).

Women's Health and Genetics/Laboratory Corporation of America, LabCorp
Classification: Likely pathogenic for Severe combined immunodeficiency disease. Last evaluated: 2026-06-01. Review status: criteria provided, single submitter. Criteria: LabCorp Variant Classification Summary - May 2015. Collection method: clinical testing. Allele origin: germline. Not counted in ClinVar's aggregate classification.
Comment: Variant summary: JAK3 c.1207C>T (p.Arg403Cys) results in a non-conservative amino acid change in the encoded protein sequence. Algorithms developed to predict the effect of missense changes on protein structure and function are either unavailable or do not agree on the potential impact of this missense change. The variant allele was found at a frequency of 8e-06 in 250854 control chromosomes. c.1207C>T has been observed in individual(s) affected with Severe Combined Immunodeficiency. These data indicate that the variant is likely to be associated with disease. A different variant affecting the same codon has been classified as pathogenic by our lab (c.1208G>A, p.Arg403His), supporting the critical relevance of codon 403 to JAK3 protein function. To our knowledge, no experimental evidence demonstrating an impact on protein function has been reported. The following publications have been ascertained in the context of this evaluation (PMID: 26915675, 33040328). ClinVar contains an entry for this variant (Variation ID: 2138258). Based on the evidence outlined above, the variant was classified as likely pathogenic.

Labcorp Genetics (formerly Invitae), Labcorp
Classification: Likely pathogenic for T-B+ severe combined immunodeficiency due to JAK3 deficiency. Last evaluated: 2024-08-14. Review status: criteria provided, single submitter. Criteria: Invitae Variant Classification Sherloc (09022015). Collection method: clinical testing. Allele origin: germline. Not counted in ClinVar's aggregate classification.
Comment: This sequence change replaces arginine, which is basic and polar, with cysteine, which is neutral and slightly polar, at codon 403 of the JAK3 protein (p.Arg403Cys). This variant is present in population databases (no rsID available, gnomAD 0.003%). This missense change has been observed in individual(s) with severe combined immunodeficiency (PMID: 26915675, 33040328; Invitae). ClinVar contains an entry for this variant (Variation ID: 2138258). An algorithm developed to predict the effect of missense changes on protein structure and function (PolyPhen-2) suggests that this variant is likely to be tolerated. This variant disrupts the p.Arg403 amino acid residue in JAK3. Other variant(s) that disrupt this residue have been observed in individuals with JAK3-related conditions (PMID: 26545580), which suggests that this may be a clinically significant amino acid residue. For these reasons, this variant has been classified as Pathogenic.

Genomic Medicine Center of Excellence, King Faisal Specialist Hospital and Research Centre
Classification: Uncertain significance for T-B+ severe combined immunodeficiency due to JAK3 deficiency. Last evaluated: 2024-03-17. Review status: criteria provided, single submitter. Criteria: ACMG Guidelines, 2015. Collection method: research. Allele origin: germline. Not counted in ClinVar's aggregate classification.

Literature cited by the submitters: PubMed 26915675 (cited by Women's Health and Genetics/Laboratory Corporation of America, LabCorp and Labcorp Genetics (formerly Invitae), Labcorp); PubMed 33040328 (cited by Women's Health and Genetics/Laboratory Corporation of America, LabCorp and Labcorp Genetics (formerly Invitae), Labcorp); PubMed 26545580 (cited by Labcorp Genetics (formerly Invitae), Labcorp).